The following is an entry in ClinVar:

NM_006245.4(PPP2R5D):c.1168G>A (p.Val390Ile)

Gene: PPP2R5D (protein phosphatase 2 regulatory subunit B'delta; plus strand). Cytogenetic location: 6p21.1.
Variant type: single nucleotide variant.
Coding change: c.1168G>A on transcript NM_006245.4 (MANE Select); coding-DNA position 1168, G replaced by A.
Protein change: p.Val390Ile; replaces valine 390 with isoleucine.
Molecular consequence: missense variant.
Genome position (GRCh38, 1-based): chr6:43,009,144, G>A. VCF-style: chr6-43009144-G-A. GRCh37 (hg19) VCF-style: chr6-42976882-G-A.
Other names: c.715G>A, p.Val239Ile (NM_001270476.2); c.1072G>A, p.Val358Ile (NM_180976.3); c.850G>A, p.Val284Ile (NM_180977.3); short protein forms V239I, V284I, V390I, V358I.
Identifiers: ClinVar variation 2080713 (VCV002080713.4), dbSNP rs760706379, ClinGen allele CA3812001.
Genomic context (GRCh38, chr6:43,009,144, plus strand): 5'-CCCAAGACCCACAGCCCCAAGGAGGTGATGTTCTTGAATGAGCTGGAGGAGATTCTGGAC[G>A]TCATTGAACCTTCTGAGTTCAGCAAAGTGATGGAACCCCTCTTCCGCCAGCTGGCCAAGT-3'
Protein context (NP_006236.1, residues 380-400): FLNELEEILD[Val390Ile]IEPSEFSKVM

ClinVar aggregate classification (germline): Uncertain significance (1 of 4 stars; one submission).

Allele frequency attached by ClinVar (database versions not stated): ExAC 0.00001; gnomAD exomes 0.00001.
gnomAD v4.1: 12 of 1,614,106 alleles (0.00074%); highest among the groups gnomAD compares: South Asian, 0.0022%; no homozygotes.

Submission:

Labcorp Genetics (formerly Invitae), Labcorp
Classification: Uncertain significance. Last evaluated: 2025-10-16. Review status: criteria provided, single submitter. Criteria: Invitae Variant Classification Sherloc (09022015). Collection method: clinical testing. Allele origin: germline.
Comment: This sequence change replaces valine, which is neutral and non-polar, with isoleucine, which is neutral and non-polar, at codon 390 of the PPP2R5D protein (p.Val390Ile). This variant is present in population databases (rs760706379, gnomAD 0.007%). This variant has not been reported in the literature in individuals affected with PPP2R5D-related conditions. ClinVar contains an entry for this variant (Variation ID: 2080713). An algorithm developed to predict the effect of missense changes on protein structure and function (PolyPhen-2) suggests that this variant is likely to be tolerated. In summary, the available evidence is currently insufficient to determine the role of this variant in disease. Therefore, it has been classified as a Variant of Uncertain Significance.